The following is an entry in ClinVar:

ClinVar aggregate classification (germline): Uncertain significance (1 of 4 stars; one submission).

Submission:

GeneDx
Classification: Uncertain significance. Last evaluated: 2024-01-10. Review status: criteria provided, single submitter. Criteria: GeneDx Variant Classification Process June 2021. Collection method: clinical testing. Allele origin: germline. Affected: yes.
Comment: Not observed at significant frequency in large population cohorts (gnomAD); In silico analysis supports that this missense variant does not alter protein structure/function; Has not been previously published as pathogenic or benign to our knowledge

NM_173495.3(PTCHD1):c.434A>G (p.Asp145Gly)

Gene: PTCHD1 (patched domain containing 1; plus strand). Cytogenetic location: Xp22.11.
Variant type: single nucleotide variant.
Coding change: c.434A>G on transcript NM_173495.3 (MANE Select); coding-DNA position 434, A replaced by G.
Protein change: p.Asp145Gly; replaces aspartic acid 145 with glycine.
Molecular consequence: missense variant.
Genome position (GRCh38, 1-based): chrX:23,379,673, A>G. VCF-style: chrX-23379673-A-G. GRCh37 (hg19) VCF-style: chrX-23397790-A-G.
Other names: short protein forms D145G.
Identifiers: ClinVar variation 3340344 (VCV003340344.1).
Genomic context (GRCh38, chrX:23,379,673, plus strand): 5'-TCCAGGTTCCAAGGCCTGGTTTTAATTACACGTTTGCCCATATATGTATCCTGAATAATG[A>G]TAAGACTTGCATCGTGGATGACATAGTGCACGTCCTGGAAGAGCTAAAGAATGCTCGGGC-3'
Protein context (NP_775766.2, residues 135-155): TFAHICILNN[Asp145Gly]KTCIVDDIVH